The following is an entry in ClinVar:

ClinVar aggregate classification (germline): Uncertain significance (1 of 4 stars; one submission).

Conditions:
Ehlers-Danlos syndrome, spondylodysplastic type, 3. Also called: Ehlers-Danlos syndrome, spondylocheirodysplastic type. Identifiers: Orphanet 157965, MedGen C2676510, MONDO:0012873, OMIM 612350.

Submission:

Labcorp Genetics (formerly Invitae), Labcorp
Classification: Uncertain significance for Ehlers-Danlos syndrome, spondylodysplastic type, 3. Last evaluated: 2019-12-30. Review status: criteria provided, single submitter. Criteria: Invitae Variant Classification Sherloc (09022015). Collection method: clinical testing. Allele origin: germline.
Comment: In summary, the available evidence is currently insufficient to determine the role of this variant in disease. Therefore, it has been classified as a Variant of Uncertain Significance. Algorithms developed to predict the effect of sequence changes on RNA splicing suggest that this variant may create or strengthen a splice site, but this prediction has not been confirmed by published transcriptional studies. Algorithms developed to predict the effect of missense changes on protein structure and function are either unavailable or do not agree on the potential impact of this missense change (SIFT: "Tolerated"; PolyPhen-2: "Possibly Damaging"; Align-GVGD: "Class C0"). This variant has not been reported in the literature in individuals with SLC39A13-related conditions. This variant is not present in population databases (ExAC no frequency). This sequence change replaces alanine with valine at codon 45 of the SLC39A13 protein (p.Ala45Val). The alanine residue is weakly conserved and there is a small physicochemical difference between alanine and valine.

NM_001128225.3(SLC39A13):c.134C>T (p.Ala45Val)

Gene: SLC39A13 (solute carrier family 39 member 13; plus strand). Cytogenetic location: 11p11.2.
Variant type: single nucleotide variant.
Coding change: c.134C>T on transcript NM_001128225.3 (MANE Select); coding-DNA position 134, C replaced by T.
Protein change: p.Ala45Val; replaces alanine 45 with valine.
Molecular consequence: missense variant. On other transcripts: non-coding transcript variant (1).
Genome position (GRCh38, 1-based): chr11:47,410,228, C>T. VCF-style: chr11-47410228-C-T. GRCh37 (hg19) VCF-style: chr11-47431779-C-T.
Other names: c.134C>T, p.Ala45Val (NM_001330245.2, NM_152264.5); short protein forms A45V.
Identifiers: ClinVar variation 844642 (VCV000844642.12), dbSNP rs2095991241, ClinGen allele CA380309062.